The following is an entry in ClinVar:

NM_020975.6(RET):c.3041A>G (p.Asp1014Gly)

Gene: RET (ret proto-oncogene; plus strand). Cytogenetic location: 10q11.21.
Variant type: single nucleotide variant.
Coding change: c.3041A>G on transcript NM_020975.6 (MANE Select); coding-DNA position 3041, A replaced by G.
Protein change: p.Asp1014Gly; replaces aspartic acid 1014 with glycine.
Molecular consequence: missense variant.
Genome position (GRCh38, 1-based): chr10:43,126,576, A>G. VCF-style: chr10-43126576-A-G. GRCh37 (hg19) VCF-style: chr10-43622024-A-G.
Other names: c.2279A>G, p.Asp760Gly (NM_001355216.2); c.2516A>G, p.Asp839Gly (NM_001406774.1); c.2315A>G, p.Asp772Gly (NM_001406775.1, NM_001406776.1, NM_001406777.1 and 1 more transcripts); c.1592A>G, p.Asp531Gly (NM_001406793.1, NM_001406794.1, NM_001406792.1); c.3041A>G, p.Asp1014Gly (NM_020630.7, NM_001406743.1, NM_001406744.1 and 2 more transcripts); c.2144A>G, p.Asp715Gly (NM_001406779.1, NM_001406780.1, NM_001406781.1 and 1 more transcripts); c.2912A>G, p.Asp971Gly (NM_001406761.1, NM_001406762.1, NM_001406764.1); c.2906A>G, p.Asp969Gly (NM_001406763.1, NM_001406765.1); and 10 more; short protein forms D670G, D684G, D760G, D918G, D969G, D579G, D772G, D619G.
Identifiers: ClinVar variation 4844011 (VCV004844011.1).

ClinVar aggregate classification (germline): Uncertain significance (1 of 4 stars; one submission).

Conditions:
Hereditary cancer-predisposing syndrome. Also called: Neoplastic Syndromes, Hereditary; Tumor predisposition; Hereditary Cancer Syndrome; Hereditary neoplastic syndrome. Identifiers: Orphanet 140162, MedGen C0027672, MeSH D009386, MONDO:0015356.

Submission:

Ambry Genetics
Classification: Uncertain significance for Hereditary cancer-predisposing syndrome. Last evaluated: 2025-12-26. Review status: criteria provided, single submitter. Criteria: Ambry Variant Classification Scheme 2023. Collection method: clinical testing. Allele origin: germline.
Comment: The p.D1014G variant (also known as c.3041A>G), located in coding exon 19 of the RET gene, results from an A to G substitution at nucleotide position 3041. The aspartic acid at codon 1014 is replaced by glycine, an amino acid with similar properties. This amino acid position is conserved. In addition, this alteration is predicted to be deleterious by in silico analysis. Based on the available evidence, the clinical significance of this variant remains unclear.